The following is an entry in ClinVar:

NM_000545.8(HNF1A):c.34C>T (p.Leu12Phe)

Gene: HNF1A (HNF1 homeobox A; plus strand). Cytogenetic location: 12q24.31.
Variant type: single nucleotide variant.
Coding change: c.34C>T on transcript NM_000545.8 (MANE Select); coding-DNA position 34, C replaced by T.
Protein change: p.Leu12Phe; replaces leucine 12 with phenylalanine.
Molecular consequence: missense variant.
Genome position (GRCh38, 1-based): chr12:120,978,802, C>T. VCF-style: chr12-120978802-C-T. GRCh37 (hg19) VCF-style: chr12-121416605-C-T.
Other names: NM_001306179.2:c.34C>T; c.34C>T, p.Leu12Phe (NM_001306179.2); short protein forms L12F.
Identifiers: ClinVar variation 1675063 (VCV001675063.4), dbSNP rs1275805852, ClinGen allele CA386952410.

ClinVar aggregate classification (germline): Likely pathogenic (3 of 4 stars; one submission).

Conditions:
Monogenic diabetes. Identifiers: Orphanet 183625, MedGen C3888631, MONDO:0015967.

Submission:

ClinGen Monogenic Diabetes Variant Curation Expert Panel
Classification: Likely pathogenic for Monogenic diabetes. Last evaluated: 2025-06-09. Review status: reviewed by expert panel. Criteria: ClinGen Diabetes ACMG Specifications HNF1A V2.1.0. Collection method: curation. Allele origin: germline. Inheritance: Autosomal dominant inheritance.
Comment: The c.34C>T variant in the HNF1 homeobox A gene, HNF1A, causes an amino acid change of leucine to phenylalanine at codon 12 (p.(Leu12Phe)) of NM_000545.8. This variant failed quality control metrics in gnomAD v2.1.1, but is absent in gnomAD v3.1.2 and v4.1 (PM2_Supporting).  Additionally, this variant is located within the dimerization domain of HNF1A, which is defined as critical for the protein’s function by the ClinGen MDEP (PM1_Supporting).  This variant is predicted to be deleterious by computational evidence, with a REVEL score of 0.925, which is greater than the MDEP threshold of 0.70 (PP3). This variant was identified in five unrelated individuals with non-autoimmune and non-absolute/near-absolute insulin-deficient diabetes (PS4_Moderate; internal lab contributors, PMID:15928245). Furthermore, one of these individuals had a clinical history highly specific for HNF1A-monogenic diabetes (MODY probability calculator result >50% and negative genetic testing for HNF4A) (PP4; internal lab contributors).  This variant segregated with diabetes, with three informative meioses in two families (PP1_Moderate; internal lab contributors). In summary, this variant meets the criteria to be classified as likely pathogenic for monogenic diabetes. ACMG/AMP criteria applied, as specified by the ClinGen MDEP (specification version 2.1.1, approved 8/11/2023): PM2_Supporting, PM1_Supporting, PP3, PP4, PP1_Moderate, PS4_Moderate.

Literature cited by the submitters: PubMed 15928245.